The following is an entry in ClinVar:

NM_001286.5(CLCN6):c.767C>T (p.Ala256Val)

Gene: CLCN6 (chloride voltage-gated channel 6; plus strand). Cytogenetic location: 1p36.22.
Variant type: single nucleotide variant.
Coding change: c.767C>T on transcript NM_001286.5 (MANE Select); coding-DNA position 767, C replaced by T.
Protein change: p.Ala256Val; replaces alanine 256 with valine.
Molecular consequence: missense variant. On other transcripts: non-coding transcript variant (1).
Genome position (GRCh38, 1-based): chr1:11,827,148, C>T. VCF-style: chr1-11827148-C-T. GRCh37 (hg19) VCF-style: chr1-11887205-C-T.
Other names: c.767C>T (NM_001286.2); c.701C>T, p.Ala234Val (NM_001256959.2); short protein forms A234V, A256V.
Identifiers: ClinVar variation 1422288 (VCV001422288.7), dbSNP rs779943946, ClinGen allele CA596230.
Genomic context (GRCh38, chr1:11,827,148, plus strand): 5'-GAGACAAGAGAGACTTTGTATCAGCAGGAGCGGCTGCTGGAGTTGCTGCAGCTTTCGGGG[C>T]GCCAATCGGGGGTACCTTGTTCAGTCTAGAGGAGGGTTCGTCCTTCTGGAACCAAGGGCT-3'
Protein context (NP_001277.2, residues 246-266): AAAGVAAAFG[Ala256Val]PIGGTLFSLE

ClinVar aggregate classification (germline): Uncertain significance. Review status: criteria provided, multiple submitters, no conflicts (2 of 4 stars). 2 submissions from 2 submitters: Uncertain significance (2). Last evaluated 2025-08-27.

Allele frequency attached by ClinVar (database versions not stated): gnomAD exomes below 0.00001; ExAC 0.00001; gnomAD 0.00001; TOPMed 0.00001.

Submissions (2):

Ambry Genetics
Classification: Uncertain significance. Last evaluated: 2025-08-27. Review status: criteria provided, single submitter. Criteria: Ambry Variant Classification Scheme 2023. Collection method: clinical testing. Allele origin: germline.

Labcorp Genetics (formerly Invitae), Labcorp
Classification: Uncertain significance. Last evaluated: 2024-07-31. Review status: criteria provided, single submitter. Criteria: Invitae Variant Classification Sherloc (09022015). Collection method: clinical testing. Allele origin: germline.
Comment: This sequence change replaces alanine, which is neutral and non-polar, with valine, which is neutral and non-polar, at codon 256 of the CLCN6 protein (p.Ala256Val). This variant is present in population databases (rs779943946, gnomAD 0.0009%). This variant has not been reported in the literature in individuals affected with CLCN6-related conditions. ClinVar contains an entry for this variant (Variation ID: 1422288). An algorithm developed to predict the effect of missense changes on protein structure and function (PolyPhen-2) suggests that this variant is likely to be disruptive. In summary, the available evidence is currently insufficient to determine the role of this variant in disease. Therefore, it has been classified as a Variant of Uncertain Significance.